The following is an entry in ClinVar:

ClinVar aggregate classification (germline): Likely benign (1 of 4 stars; one submission).

Submission:

Women's Health and Genetics/Laboratory Corporation of America, LabCorp
Classification: Likely benign. Last evaluated: 2025-09-17. Review status: criteria provided, single submitter. Criteria: LabCorp Variant Classification Summary - May 2015. Collection method: clinical testing. Allele origin: germline.
Comment: Variant summary: CIC c.1135-11C>T alters a non-conserved nucleotide located at a position not widely known to affect splicing. Consensus agreement among computation tools predict no significant impact on normal splicing. However, these predictions have yet to be confirmed by functional studies. The variant was absent in 249124 control chromosomes. The available data on variant occurrences in the general population are insufficient to allow any conclusion about variant significance. To our knowledge, no occurrence of c.1135-11C>T in individuals affected with CIC-related conditions and no experimental evidence demonstrating its impact on protein function have been reported. No submitters have cited clinical-significance assessments for this variant to ClinVar. Based on the evidence outlined above, the variant was classified as likely benign.

NM_001386298.1(CIC):c.3862-11C>T

Gene: CIC (capicua transcriptional repressor; plus strand). Cytogenetic location: 19q13.2.
Variant type: single nucleotide variant.
Coding change: c.3862-11C>T on transcript NM_001386298.1 (MANE Select); 11 bases into the intron before coding-DNA position 3862, C replaced by T.
Molecular consequence: intron variant.
Genome position (GRCh38, 1-based): chr19:42,289,170, C>T. VCF-style: chr19-42289170-C-T. GRCh37 (hg19) VCF-style: chr19-42793322-C-T.
Other names: c.3862-11C>T (NM_001304815.2, NM_001439186.1, NM_001439183.1 and 6 more transcripts); c.1135-11C>T (NM_015125.5, NM_001379484.1, NM_001439190.1 and 3 more transcripts).
Identifiers: ClinVar variation 4536141 (VCV004536141.1).